The following is an entry in ClinVar:

ClinVar aggregate classification (germline): Uncertain significance (1 of 4 stars; one submission).

gnomAD v4.1: 3 of 1,613,178 alleles (0.00019%); highest among the groups gnomAD compares: Admixed American, 0.0033%; no homozygotes.

Submission:

Labcorp Genetics (formerly Invitae), Labcorp
Classification: Uncertain significance. Last evaluated: 2021-11-15. Review status: criteria provided, single submitter. Criteria: Invitae Variant Classification Sherloc (09022015). Collection method: clinical testing. Allele origin: germline.
Comment: In summary, the available evidence is currently insufficient to determine the role of this variant in disease. Therefore, it has been classified as a Variant of Uncertain Significance. Algorithms developed to predict the effect of missense changes on protein structure and function are either unavailable or do not agree on the potential impact of this missense change (SIFT: "Deleterious"; PolyPhen-2: "Probably Damaging"; Align-GVGD: "Class C0"). This variant has not been reported in the literature in individuals affected with PCDH15-related conditions. This variant is present in population databases (rs199537178, gnomAD 0.006%). This sequence change replaces alanine, which is neutral and non-polar, with aspartic acid, which is acidic and polar, at codon 701 of the PCDH15 protein (p.Ala701Asp).

NM_001384140.1(PCDH15):c.2102C>A (p.Ala701Asp)

Gene: PCDH15 (protocadherin related 15; minus strand). Cytogenetic location: 10q21.1.
Variant type: single nucleotide variant.
Coding change: c.2102C>A on transcript NM_001384140.1 (MANE Select); coding-DNA position 2102, C replaced by A.
Protein change: p.Ala701Asp; replaces alanine 701 with aspartic acid.
Molecular consequence: missense variant.
Genome position (GRCh38, 1-based): chr10:54,066,875, G>T on the plus strand (C>A on the coding strand, the complement: PCDH15 is on the minus strand). VCF-style: chr10-54066875-G-T. GRCh37 (hg19) VCF-style: chr10-55826635-G-T.
Other names: c.2117C>A, p.Ala706Asp (NM_001142763.2, NM_001142771.2); c.2102C>A, p.Ala701Asp (NM_001142764.2, NM_001142766.2, NM_001142770.3 and 5 more transcripts); c.1889C>A, p.Ala630Asp (NM_001142765.2); c.1991C>A, p.Ala664Asp (NM_001142767.2); c.2036C>A, p.Ala679Asp (NM_001142768.2, NM_001142773.2, NM_001354404.2); c.2138C>A, p.Ala713Asp (NM_001142769.4); c.2123C>A, p.Ala708Asp (NM_001354411.2); short protein forms A664D, A708D, A679D, A706D, A630D, A701D, A713D.
Identifiers: ClinVar variation 1364309 (VCV001364309.6), dbSNP rs199537178, ClinGen allele CA5506116.